The following is an entry in ClinVar:

NM_033305.3(VPS13A):c.1785+7A>G

Gene: VPS13A (vacuolar protein sorting 13 homolog A; plus strand). Cytogenetic location: 9q21.2.
Variant type: single nucleotide variant.
Coding change: c.1785+7A>G on transcript NM_033305.3 (MANE Select); 7 bases into the intron after coding-DNA position 1785, A replaced by G.
Molecular consequence: intron variant.
Genome position (GRCh38, 1-based): chr9:77,238,198, A>G. VCF-style: chr9-77238198-A-G. GRCh37 (hg19) VCF-style: chr9-79853114-A-G.
Other names: c.1785+7A>G (NM_001018037.2, NM_015186.4, NM_001018038.3).
Identifiers: ClinVar variation 913844 (VCV000913844.15), dbSNP rs367906505, ClinGen allele CA5091773.

ClinVar aggregate classification (germline): Conflicting classifications of pathogenicity. Review status: criteria provided, conflicting classifications (1 of 4 stars). 4 submissions from 4 submitters: Uncertain significance (1); Likely benign (2). 1 of the submissions does not count toward it. Last evaluated 2026-01-16.

Conditions:
VPS13A-related neurodegenerative disease. Also called: Choreoacanthocytosis; Chorea-acanthocytosis; Choreaacanthocytosis; LEVINE-CRITCHLEY SYNDROME; VPS13A Disease; ACANTHOCYTOSIS WITH NEUROLOGIC DISORDER. Identifiers: Orphanet 2388, MedGen C0393576, MONDO:0008695, OMIM 200150.
VPS13A-related disorder. Also called: VPS13A-related condition.

Allele frequency attached by ClinVar (database versions not stated): ExAC 0.00004; gnomAD exomes 0.00005 and 0.00023; ESP Exome Variant Server 0.00008; gnomAD 0.00011 and 0.00012; TOPMed 0.00014.
gnomAD v4.1: 345 of 1,611,282 alleles (0.021%); highest among the groups gnomAD compares: Non-Finnish European, 0.028%; 1 homozygote.

Submissions (4):

Labcorp Genetics (formerly Invitae), Labcorp
Classification: Likely benign. Last evaluated: 2026-01-16. Review status: criteria provided, single submitter. Criteria: Invitae Variant Classification Sherloc (09022015). Collection method: clinical testing. Allele origin: germline.

Blueprint Genetics
Classification: Likely benign. Last evaluated: 2024-02-28. Review status: criteria provided, single submitter. Criteria: ACMG Guidelines, 2015. Collection method: clinical testing. Allele origin: germline.

Illumina Laboratory Services, Illumina
Classification: Uncertain significance for VPS13A-related neurodegenerative disease. Last evaluated: 2018-01-13. Review status: criteria provided, single submitter. Criteria: ICSL Variant Classification Criteria 13 December 2019. Collection method: clinical testing. Allele origin: germline.

PreventionGenetics, part of Exact Sciences
Classification: Likely benign for VPS13A-related condition. Last evaluated: 2019-06-17. Review status: no assertion criteria provided. Collection method: clinical testing. Allele origin: germline. Not counted in ClinVar's aggregate classification.
Comment: This variant is classified as likely benign based on ACMG/AMP sequence variant interpretation guidelines (Richards et al. 2015 PMID: 25741868, with internal and published modifications).